The following is an entry in ClinVar:

NM_021964.3(ZNF148):c.2021C>T (p.Ser674Phe)

Genes: ZNF148 (zinc finger protein 148; minus strand), LOC126806798 (P300/CBP strongly-dependent group 1 enhancer GRCh37_chr3:124950809-124952008; plus strand). Cytogenetic location: 3q21.2.
Variant type: single nucleotide variant.
Coding change: c.2021C>T on transcript NM_021964.3 (MANE Select); coding-DNA position 2021, C replaced by T.
Protein change: p.Ser674Phe; replaces serine 674 with phenylalanine.
Molecular consequence: missense variant.
Genome position (GRCh38, 1-based): chr3:125,232,705, G>A on the plus strand (C>T on the coding strand, the complement: ZNF148 is on the minus strand). VCF-style: chr3-125232705-G-A. GRCh37 (hg19) VCF-style: chr3-124951549-G-A.
Other names: c.2021C>T, p.Ser674Phe (NM_001348424.1, NM_001348425.2, NM_001348426.2 and 7 more transcripts); c.1895C>T, p.Ser632Phe (NM_001348434.2); short protein forms S674F, S632F.
Identifiers: ClinVar variation 4071689 (VCV004071689.1), dbSNP rs140938065.

ClinVar aggregate classification (germline): Uncertain significance (1 of 4 stars; one submission).

Submission:

GeneDx
Classification: Uncertain significance. Last evaluated: 2025-01-21. Review status: criteria provided, single submitter. Criteria: GeneDx Variant Classification Process June 2021. Collection method: clinical testing. Allele origin: germline. Affected: yes.
Comment: Not observed at significant frequency in large population cohorts (gnomAD); In silico analysis indicates that this missense variant does not alter protein structure/function; Has not been previously published as pathogenic or benign to our knowledge